The following is an entry in ClinVar:

ClinVar aggregate classification (germline): Conflicting classifications of pathogenicity. Review status: criteria provided, conflicting classifications (1 of 4 stars). 6 submissions from 6 submitters: Uncertain significance (5); Likely benign (1). Last evaluated 2025-12-20.

Conditions:
Hereditary cancer-predisposing syndrome. Also called: Hereditary Cancer Syndrome; Neoplastic Syndromes, Hereditary; Tumor predisposition; Hereditary neoplastic syndrome. Identifiers: Orphanet 140162, MedGen C0027672, MeSH D009386, MONDO:0015356.
BAP1-related tumor predisposition syndrome (TPDS1). Also called: Tumor susceptibility linked to germline BAP1 mutations; BAP1 tumor predisposition syndrome; COMMON Syndrome; TUMOR PREDISPOSITION SYNDROME 1. Identifiers: Orphanet 289539, MedGen C3280492, MONDO:0013692, OMIM 614327.

Allele frequency attached by ClinVar (database versions not stated): TOPMed 0.00001.
gnomAD v4.1: 3 of 1,600,634 alleles (0.00019%); highest among the groups gnomAD compares: Admixed American, 0.0052%; no homozygotes.

Submissions (6):

Labcorp Genetics (formerly Invitae), Labcorp
Classification: Uncertain significance for BAP1-related tumor predisposition syndrome. Last evaluated: 2025-12-20. Review status: criteria provided, single submitter. Criteria: Invitae Variant Classification Sherloc (09022015). Collection method: clinical testing. Allele origin: germline.
Comment: This sequence change replaces arginine, which is basic and polar, with leucine, which is neutral and non-polar, at codon 728 of the BAP1 protein (p.Arg728Leu). The frequency data for this variant in the population databases is considered unreliable, as metrics indicate poor data quality at this position in the gnomAD database. This variant has not been reported in the literature in individuals affected with BAP1-related conditions. ClinVar contains an entry for this variant (Variation ID: 489631). Invitae Evidence Modeling of protein sequence and biophysical properties (such as structural, functional, and spatial information, amino acid conservation, physicochemical variation, residue mobility, and thermodynamic stability) has been performed for this missense variant. However, the output from this modeling did not meet the statistical confidence thresholds required to predict the impact of this variant on BAP1 protein function. In summary, the available evidence is currently insufficient to determine the role of this variant in disease. Therefore, it has been classified as a Variant of Uncertain Significance.

Ambry Genetics
Classification: Likely benign for Hereditary cancer-predisposing syndrome. Last evaluated: 2025-07-17. Review status: criteria provided, single submitter. Criteria: Ambry Variant Classification Scheme 2023. Collection method: clinical testing. Allele origin: germline.

Quest Diagnostics Nichols Institute San Juan Capistrano
Classification: Uncertain significance. Last evaluated: 2024-08-29. Review status: criteria provided, single submitter. Criteria: Quest Diagnostics criteria. Collection method: clinical testing. Allele origin: unknown.
Comment: The BAP1 c.2183G>T (p.Arg728Leu) variant has not been reported in individuals with BAP1-related conditions in the published literature. The frequency of this variant in the general population, 0.0000089 (2/223836 chromosomes (Genome Aggregation Database)), is uninformative in the assessment of its pathogenicity. Analysis of this variant using bioinformatics tools for the prediction of the effect of amino acid changes on protein structure and function yielded predictions that this variant is benign. Based on the available information, we are unable to determine the clinical significance of this variant.

Baylor Genetics
Classification: Uncertain significance for BAP1-related tumor predisposition syndrome. Last evaluated: 2023-10-29. Review status: criteria provided, single submitter. Criteria: ACMG Guidelines, 2015. Collection method: clinical testing. Allele origin: unknown.

Genetic Services Laboratory, University of Chicago
Classification: Uncertain significance. Last evaluated: 2021-05-26. Review status: criteria provided, single submitter. Criteria: ACMG Guidelines, 2015. Collection method: clinical testing. Allele origin: germline. Affected: no.
Comment: DNA sequence analysis of the BAP1 gene demonstrated a sequence change, c.2183G>T, in exon 17 that results in an amino acid change, p.Arg728Leu. This sequence change has been described in the gnomAD database in two individuals (0.003% in the Latino subpopulation and 0.001% in the European non-Finnish subpopulation)(dbSNP rs773230722). The p.Arg728Leu change affects a highly conserved amino acid residue located in a domain of the BAP1 protein that is not known to be functional. In-silico pathogenicity prediction tools (SIFT, PolyPhen2, Align GVGD, REVEL) provide contradictory results for the p.Arg728Leu substitution. This sequence change does not appear to have been previously described in patients with BAP1-related disorders. Due to insufficient evidences and the lack of functional studies, the clinical significance of the p.Arg728Leu change remains unknown at this time.

Color Diagnostics, LLC DBA Color Health
Classification: Uncertain significance for Hereditary cancer-predisposing syndrome. Last evaluated: 2019-02-28. Review status: criteria provided, single submitter. Criteria: ACMG Guidelines, 2015. Collection method: clinical testing. Allele origin: germline.

Literature cited by the submitters: PubMed 38969833 (cited by Ambry Genetics).

NM_004656.4(BAP1):c.2183G>T (p.Arg728Leu)

Gene: BAP1 (BRCA1 associated deubiquitinase 1; minus strand). Cytogenetic location: 3p21.1.
Variant type: single nucleotide variant.
Coding change: c.2183G>T on transcript NM_004656.4 (MANE Select); coding-DNA position 2183, G replaced by T.
Protein change: p.Arg728Leu; replaces arginine 728 with leucine.
Molecular consequence: missense variant.
Genome position (GRCh38, 1-based): chr3:52,402,295, C>A on the plus strand (G>T on the coding strand, the complement: BAP1 is on the minus strand). VCF-style: chr3-52402295-C-A. GRCh37 (hg19) VCF-style: chr3-52436311-C-A.
Other names: c.2183G>T (LRG_529t1); short protein forms R728L.
Identifiers: ClinVar variation 489631 (VCV000489631.19), dbSNP rs773230722, ClinGen allele CA74739847.